The following is an entry in ClinVar:

NM_001005361.3(DNM2):c.784C>T (p.His262Tyr)

Gene: DNM2 (dynamin 2; plus strand). Cytogenetic location: 19p13.2.
Variant type: single nucleotide variant.
Coding change: c.784C>T on transcript NM_001005361.3 (MANE Select); coding-DNA position 784, C replaced by T.
Protein change: p.His262Tyr; replaces histidine 262 with tyrosine.
Molecular consequence: missense variant.
Genome position (GRCh38, 1-based): chr19:10,783,055, C>T. VCF-style: chr19-10783055-C-T. GRCh37 (hg19) VCF-style: chr19-10893731-C-T.
Other names: c.784C>T, p.His262Tyr (NM_001005360.3, NM_001005362.3, NM_001190716.2 and 1 more transcripts); short protein forms H262Y.
Identifiers: ClinVar variation 1986143 (VCV001986143.4), dbSNP rs2513183077, ClinGen allele CA404045296.

ClinVar aggregate classification (germline): Uncertain significance (1 of 4 stars; one submission).

Conditions:
Charcot-Marie-Tooth disease dominant intermediate B (CMTDIB). Also called: CHARCOT-MARIE-TOOTH NEUROPATHY, DOMINANT INTERMEDIATE B; Charcot-Marie-Tooth disease dominant intermediate 1; CMT DI1; Charcot-Marie-Tooth disease dominant intermediate I. Identifiers: Orphanet 100044, Orphanet 228179, MedGen C1847902, MONDO:0011674, OMIM 606482.

Allele frequency attached by ClinVar (database versions not stated): gnomAD exomes below 0.00001.

Submission:

Labcorp Genetics (formerly Invitae), Labcorp
Classification: Uncertain significance for Charcot-Marie-Tooth disease dominant intermediate B. Last evaluated: 2022-04-22. Review status: criteria provided, single submitter. Criteria: Invitae Variant Classification Sherloc (09022015). Collection method: clinical testing. Allele origin: germline.
Comment: Algorithms developed to predict the effect of missense changes on protein structure and function (SIFT, PolyPhen-2, Align-GVGD) all suggest that this variant is likely to be disruptive. This sequence change replaces histidine, which is basic and polar, with tyrosine, which is neutral and polar, at codon 262 of the DNM2 protein (p.His262Tyr). This variant is not present in population databases (gnomAD no frequency). This variant has not been reported in the literature in individuals affected with DNM2-related conditions. In summary, the available evidence is currently insufficient to determine the role of this variant in disease. Therefore, it has been classified as a Variant of Uncertain Significance.